The following is an entry in ClinVar:

NM_000037.4(ANK1):c.4505G>A (p.Arg1502His)

Genes: ANK1 (ankyrin 1; minus strand), LOC126860368 (BRD4-independent group 4 enhancer GRCh37_chr8:41541049-41542248; plus strand). Cytogenetic location: 8p11.21.
Variant type: single nucleotide variant.
Coding change: c.4505G>A on transcript NM_000037.4 (MANE Select); coding-DNA position 4505, G replaced by A.
Protein change: p.Arg1502His; replaces arginine 1502 with histidine.
Molecular consequence: missense variant.
Genome position (GRCh38, 1-based): chr8:41,684,576, C>T on the plus strand (G>A on the coding strand, the complement: ANK1 is on the minus strand). VCF-style: chr8-41684576-C-T. GRCh37 (hg19) VCF-style: chr8-41542094-C-T.
Other names: p.Arg1502His; c.4628G>A, p.Arg1543His (NM_001142446.2); c.4505G>A, p.Arg1502His (NM_020475.3, NM_020476.3, NM_020477.3); short protein forms R1502H, R1543H.
Identifiers: ClinVar variation 2683009 (VCV002683009.3), dbSNP rs375706149, ClinGen allele CA4727531.

ClinVar aggregate classification (germline): Uncertain significance. Review status: criteria provided, multiple submitters, no conflicts (2 of 4 stars). 3 submissions from 3 submitters: Uncertain significance (3). Last evaluated 2025-02-13.

Conditions:
Hereditary spherocytosis type 1. Also called: Spherocytosis type 1; ANK1-Related Spherocytosis. Identifiers: Orphanet 822, MedGen C2674218, MONDO:0008447, OMIM 182900.
Inborn genetic diseases. Identifiers: MedGen C0950123, MeSH D030342.

Allele frequency attached by ClinVar (database versions not stated): gnomAD exomes 0.00003; ExAC 0.00004; gnomAD 0.00005; TOPMed 0.00006.
gnomAD v4.1: 61 of 1,613,672 alleles (0.0038%); highest among the groups gnomAD compares: African/African-American, 0.008%; no homozygotes.

Submissions (3):

Ambry Genetics
Classification: Uncertain significance for Inborn genetic diseases. Last evaluated: 2025-02-13. Review status: criteria provided, single submitter. Criteria: Ambry Variant Classification Scheme 2023. Collection method: clinical testing. Allele origin: germline.

Revvity Omics, Revvity
Classification: Uncertain significance for Hereditary spherocytosis type 1. Last evaluated: 2024-04-10. Review status: criteria provided, single submitter. Criteria: ACMG Guidelines, 2015. Collection method: clinical testing. Allele origin: germline.

Mayo Clinic Laboratories, Mayo Clinic
Classification: Uncertain significance. Last evaluated: 2022-03-30. Review status: criteria provided, single submitter. Criteria: ACMG Guidelines, 2015. Collection method: clinical testing. Allele origin: germline. Observed: 1 variant allele.
Comment: BP4